The following is an entry in ClinVar:

NM_017534.6(MYH2):c.3126del (p.Ser1043fs)

Genes: MYH2 (myosin heavy chain 2; minus strand), MYHAS (myosin heavy chain gene cluster antisense RNA; plus strand). Cytogenetic location: 17p13.1.
Variant type: Deletion.
Coding change: c.3126del on transcript NM_017534.6 (MANE Select); coding-DNA position 3126, one base deleted (G; older notation c.3126delG).
Protein change: p.Ser1043fs; shifts the reading frame from serine 1043.
Molecular consequence: frameshift variant.
Genome position (GRCh38, 1-based): chr17:10,529,473, C deleted on the plus strand (G on the coding strand, the reverse complement: MYH2 is on the minus strand); the first of 3 consecutive C bases (chr17:10,529,473-10,529,475); deleting any one gives the same sequence. VCF-style (leftmost placement, unchanged base first): chr17-10529472-AC-A. GRCh37 (hg19) VCF-style: chr17-10432789-AC-A.
Other names: c.3126del, p.Ser1043fs (NM_001100112.2); short protein forms S1043fs.
Identifiers: ClinVar variation 2984803 (VCV002984803.3), dbSNP rs2508431431, ClinGen allele CA2740095268.

ClinVar aggregate classification (germline): Pathogenic (1 of 4 stars; one submission).

Conditions:
Myopathy, proximal, and ophthalmoplegia (CMYO6). Also called: MYOPATHY WITH CONGENITAL JOINT CONTRACTURES, OPHTHALMOPLEGIA, AND RIMMED VACUOLES; INCLUSION BODY MYOPATHY 3, AUTOSOMAL DOMINANT; CONGENITAL MYOPATHY 6 WITH OPHTHALMOPLEGIA. Identifiers: Orphanet 363677, Orphanet 79091, MedGen C1854106, MONDO:0011577, OMIM 605637.

Submission:

Labcorp Genetics (formerly Invitae), Labcorp
Classification: Pathogenic for Myopathy, proximal, and ophthalmoplegia. Last evaluated: 2023-07-20. Review status: criteria provided, single submitter. Criteria: Invitae Variant Classification Sherloc (09022015). Collection method: clinical testing. Allele origin: germline.
Comment: For these reasons, this variant has been classified as Pathogenic. This variant has not been reported in the literature in individuals affected with MYH2-related conditions. This variant is not present in population databases (gnomAD no frequency). This sequence change creates a premature translational stop signal (p.Ser1043Profs*12) in the MYH2 gene. It is expected to result in an absent or disrupted protein product. Loss-of-function variants in MYH2 are known to be pathogenic (PMID: 20418530, 23388406, 24193343).

Literature cited by the submitters: PubMed 20418530; PubMed 23388406; PubMed 24193343.